The following is an entry in ClinVar:

ClinVar aggregate classification (germline): Uncertain significance (1 of 4 stars; one submission).

Submission:

GeneDx
Classification: Uncertain significance. Last evaluated: 2024-11-20. Review status: criteria provided, single submitter. Criteria: GeneDx Variant Classification Process June 2021. Collection method: clinical testing. Allele origin: germline. Affected: yes.
Comment: Not observed at significant frequency in large population cohorts (gnomAD); In silico analysis indicates that this missense variant does not alter protein structure/function; Has not been previously published as pathogenic or benign to our knowledge

NM_012281.3(KCND2):c.231C>G (p.His77Gln)

Gene: KCND2 (potassium voltage-gated channel subfamily D member 2; plus strand). Cytogenetic location: 7q31.31.
Variant type: single nucleotide variant.
Coding change: c.231C>G on transcript NM_012281.3 (MANE Select); coding-DNA position 231, C replaced by G.
Protein change: p.His77Gln; replaces histidine 77 with glutamine.
Molecular consequence: missense variant.
Genome position (GRCh38, 1-based): chr7:120,274,863, C>G. VCF-style: chr7-120274863-C-G. GRCh37 (hg19) VCF-style: chr7-119914917-C-G.
Other names: short protein forms H77Q.
Identifiers: ClinVar variation 3900466 (VCV003900466.1).
Genomic context (GRCh38, chr7:120,274,863, plus strand): 5'-CACCCTGGAACGTTACCCAGACACTCTACTGGGCAGTTCTGAGAGGGACTTTTTCTACCA[C>G]CCAGAAACTCAGCAGTATTTCTTTGACCGTGACCCAGACATCTTCCGCCACATCCTGAAT-3'
Protein context (NP_036413.1, residues 67-87): LGSSERDFFY[His77Gln]PETQQYFFDR